The following is an entry in ClinVar:

NM_002124.4(HLA-DRB1):c.197C>A (p.Ser66Tyr)

Gene: HLA-DRB1 (major histocompatibility complex, class II, DR beta 1; minus strand). Cytogenetic location: 6p21.32.
Variant type: single nucleotide variant.
Coding change: c.197C>A on transcript NM_002124.4 (MANE Select); coding-DNA position 197, C replaced by A.
Protein change: p.Ser66Tyr; replaces serine 66 with tyrosine.
Molecular consequence: missense variant. On other transcripts: no sequence alteration (2).
Genome position (GRCh38, 1-based): chr6:32,584,282, G>T on the plus strand (C>A on the coding strand, the complement: HLA-DRB1 is on the minus strand). VCF-style: chr6-32584282-G-T. GRCh37 (hg19) VCF-style: chr6-32552059-G-T.
Other names: NC_000006.11:g.32552059G>T; c.197=, p.Asn66= (NM_001243965.1); c.197T>A, p.Phe66Tyr (NM_001359193.1); c.197=, p.Tyr66= (NM_001359194.1); short protein forms F66Y, S66Y.
Identifiers: ClinVar variation 1260112 (VCV001260112.3), dbSNP rs707957, ClinGen allele CA3743327.
Genomic context (GRCh38, chr6:32,584,282, plus strand): 5'-TCAGGCCGCCCCAGCTCCGTCACCGCCCGGAACTCCCCCACGTCGCTGTCGAAGCGCACG[G>T]ACTCCTCCTGGTTATAGAAGTATCTGTCCAGGAACCGCACCCGCTCCGTCCCATTGAAGA-3'
Protein context (NP_002115.2, residues 56-76): LDRYFYNQEE[Ser66Tyr]VRFDSDVGEF

ClinVar aggregate classification (germline): Benign (1 of 4 stars; one submission).

Allele frequency attached by ClinVar (database versions not stated): 1000 Genomes Project 30x 0.58963; ESP Exome Variant Server 0.69524.

Submissions (3):

GeneDx
Classification: Benign. Last evaluated: 2019-01-18. Review status: criteria provided, single submitter. Criteria: GeneDx Variant Classification Process June 2021. Collection method: clinical testing. Allele origin: germline. Affected: yes.
Comment: This variant is associated with the following publications: (PMID: 30084967)

Dr. Peter K. Rogan Lab, Western University
No classification provided (evidence only). Condition: Familial cancer of breast. Review status: no classification provided. Collection method: in vitro. Allele origin: not applicable. Functional consequence: retained intron. Not counted in ClinVar's aggregate classification.

Dr. Peter K. Rogan Lab, Western University
No classification provided (evidence only). Condition: Familial cancer of breast. Review status: no classification provided. Collection method: in vitro. Allele origin: not applicable. Functional consequence: retained intron. Not counted in ClinVar's aggregate classification.